The following is an entry in ClinVar:

ClinVar aggregate classification (germline): Uncertain significance. Review status: criteria provided, multiple submitters, no conflicts (2 of 4 stars). 3 submissions from 3 submitters: Uncertain significance (3). Last evaluated 2024-09-03.

Conditions:
Intellectual developmental disorder, autosomal dominant 1. Also called: MBD5 Haploinsufficiency; Intellectual disability, autosomal dominant 1. Identifiers: Orphanet 228402, MedGen C1969562, MONDO:0007974, OMIM 156200.

Allele frequency attached by ClinVar (database versions not stated): TOPMed 0.00002.
gnomAD v4.1: 43 of 1,613,656 alleles (0.0027%); highest among the groups gnomAD compares: Non-Finnish European, 0.0036%; no homozygotes.

Submissions (3):

Labcorp Genetics (formerly Invitae), Labcorp
Classification: Uncertain significance for Intellectual developmental disorder, autosomal dominant 1. Last evaluated: 2024-09-03. Review status: criteria provided, single submitter. Criteria: Invitae Variant Classification Sherloc (09022015). Collection method: clinical testing. Allele origin: germline.
Comment: This sequence change replaces valine, which is neutral and non-polar, with leucine, which is neutral and non-polar, at codon 443 of the MBD5 protein (p.Val443Leu). This variant is present in population databases (rs137977565, gnomAD 0.0009%). This variant has not been reported in the literature in individuals affected with MBD5-related conditions. ClinVar contains an entry for this variant (Variation ID: 421660). Invitae Evidence Modeling of protein sequence and biophysical properties (such as structural, functional, and spatial information, amino acid conservation, physicochemical variation, residue mobility, and thermodynamic stability) indicates that this missense variant is not expected to disrupt MBD5 protein function with a negative predictive value of 80%. In summary, the available evidence is currently insufficient to determine the role of this variant in disease. Therefore, it has been classified as a Variant of Uncertain Significance.

GeneDx
Classification: Uncertain significance. Last evaluated: 2017-02-20. Review status: criteria provided, single submitter. Criteria: GeneDx Variant Classification (06012015). Collection method: clinical testing. Allele origin: germline. Affected: yes.
Comment: The V443L variant in the MBD5 gene has not been reported previously as a pathogenic variant, nor as a benign variant, to our knowledge. The V443L variant was not observed in approximately 6500 individuals of European and African American ancestry in the NHLBI Exome Sequencing Project, indicating it is not a common benign variant in these populations. The V443L variant is a conservative amino acid substitution, which is not likely to impact secondary protein structure as these residues share similar properties. In addition, this substitution occurs at a position that is conserved across species. However, in silico analysis is inconsistent in its predictions as to whether or not the variant is damaging to the protein structure/function. We therefore interpret V443L as a variant of uncertain significance.

UNC Molecular Genetics  Laboratory, University of North Carolina at Chapel Hill
Classification: Uncertain significance for Mental retardation, autosomal dominant 1. Review status: criteria provided, single submitter. Criteria: ACMG Guidelines, 2015. Collection method: research. Allele origin: germline. Observed: 1 variant allele. Study: CSER_NCGENES_2.
Comment: The MBD5 c.1327G>T p.V443L missense variant has not previously been reported in any patients with autosomal dominant intellectual disability and is considered a variant of uncertain significance.

NM_001378120.1(MBD5):c.1327G>T (p.Val443Leu)

Gene: MBD5 (methyl-CpG binding domain protein 5; plus strand). Cytogenetic location: 2q23.1.
Variant type: single nucleotide variant.
Coding change: c.1327G>T on transcript NM_001378120.1 (MANE Select); coding-DNA position 1327, G replaced by T.
Protein change: p.Val443Leu; replaces valine 443 with leucine.
Molecular consequence: missense variant.
Genome position (GRCh38, 1-based): chr2:148,469,270, G>T. VCF-style: chr2-148469270-G-T. GRCh37 (hg19) VCF-style: chr2-149226839-G-T.
Other names: c.1327G>T, p.Val443Leu (NM_018328.5); short protein forms V443L.
Identifiers: ClinVar variation 421660 (VCV000421660.11), dbSNP rs137977565, ClinGen allele CA1899999.